The following is an entry in ClinVar:

ClinVar aggregate classification (germline): Likely benign (0 of 4 stars; one submission).

Conditions:
MYOM2-related disorder. Also called: MYOM2-related condition.

Allele frequency attached by ClinVar (database versions not stated): 1000 Genomes Project 30x 0.00047; 1000 Genomes Project 0.00060; gnomAD 0.00133; ExAC 0.00134; TOPMed 0.00141; ESP Exome Variant Server 0.00185; gnomAD exomes 0.00254.
gnomAD v4.1: 3,847 of 1,614,190 alleles (0.24%); highest among the groups gnomAD compares: Non-Finnish European, 0.31%; 15 homozygotes.

Submission:

PreventionGenetics, part of Exact Sciences
Classification: Likely benign for MYOM2-related condition. Last evaluated: 2019-02-28. Review status: no assertion criteria provided. Collection method: clinical testing. Allele origin: germline.
Comment: This variant is classified as likely benign based on ACMG/AMP sequence variant interpretation guidelines (Richards et al. 2015 PMID: 25741868, with internal and published modifications).

NM_003970.4(MYOM2):c.2460G>A (p.Thr820=)

Gene: MYOM2 (myomesin 2; plus strand). Cytogenetic location: 8p23.3.
Variant type: single nucleotide variant.
Coding change: c.2460G>A on transcript NM_003970.4 (MANE Select); coding-DNA position 2460, G replaced by A.
Protein change: p.Thr820=; no amino-acid change (threonine 820 retained).
Molecular consequence: synonymous variant.
Genome position (GRCh38, 1-based): chr8:2,100,895, G>A. VCF-style: chr8-2100895-G-A. GRCh37 (hg19) VCF-style: chr8-2048685-G-A.
Identifiers: ClinVar variation 3042825 (VCV003042825.2), dbSNP rs35441835, ClinGen allele CA170458202.